The following is an entry in ClinVar:

NM_020937.4(FANCM):c.263A>G (p.Asn88Ser)

Gene: FANCM (FA complementation group M; plus strand). Cytogenetic location: 14q21.2.
Variant type: single nucleotide variant.
Coding change: c.263A>G on transcript NM_020937.4 (MANE Select); coding-DNA position 263, A replaced by G.
Protein change: p.Asn88Ser; replaces asparagine 88 with serine.
Molecular consequence: missense variant.
Genome position (GRCh38, 1-based): chr14:45,136,294, A>G. VCF-style: chr14-45136294-A-G. GRCh37 (hg19) VCF-style: chr14-45605497-A-G.
Other names: c.263A>G (NM_020937.2); c.263A>G, p.Asn88Ser (NM_001308133.2, NM_001308134.2); short protein forms N88S.
Identifiers: ClinVar variation 1036997 (VCV001036997.11), dbSNP rs1566716433, ClinGen allele CA389587634.
Genomic context (GRCh38, chr14:45,136,294, plus strand): 5'-TGTGTCTAGAGAATGGCGGGTTCTGCACCTCCGCGGGCGCCCTGTGGATTTACCCTACCA[A>G]TTGCCCAGTGCGGGACTACCAGCTGCACATTTCCCGGGCTGCTCTGTTTTGCAATACGCT-3'
Protein context (NP_065988.1, residues 78-98): SAGALWIYPT[Asn88Ser]CPVRDYQLHI

ClinVar aggregate classification (germline): Uncertain significance. Review status: criteria provided, multiple submitters, no conflicts (2 of 4 stars). 4 submissions from 4 submitters: Uncertain significance (4). Last evaluated 2025-02-02.

Conditions:
Inborn genetic diseases. Identifiers: MedGen C0950123, MeSH D030342.
Fanconi anemia (FA). Also called: Fanconi's anemia. Identifiers: Orphanet 84, MedGen C0015625, MeSH D005199, MONDO:0019391.
Spermatogenic failure 28. Identifiers: MedGen C4748117, MONDO:0054732, OMIM 618086.
Premature ovarian failure 15. Identifiers: MedGen C4748170, MONDO:0054862, OMIM 618096.

Allele frequency attached by ClinVar (database versions not stated): TOPMed below 0.00001; gnomAD exomes 0.00001.
gnomAD v4.1: 10 of 1,613,910 alleles (0.00062%); highest among the groups gnomAD compares: Middle Eastern, 0.016%; no homozygotes.

Submissions (4):

Ambry Genetics
Classification: Uncertain significance for Inborn genetic diseases. Last evaluated: 2025-02-02. Review status: criteria provided, single submitter. Criteria: Ambry Variant Classification Scheme 2023. Collection method: clinical testing. Allele origin: germline.
Comment: The p.N88S variant (also known as c.263A>G), located in coding exon 1 of the FANCM gene, results from an A to G substitution at nucleotide position 263. The asparagine at codon 88 is replaced by serine, an amino acid with highly similar properties. This amino acid position is conserved. In addition, this alteration is predicted to be tolerated by in silico analysis. Based on the available evidence, the clinical significance of this variant remains unclear.

Blueprint Genetics
Classification: Uncertain significance. Last evaluated: 2024-08-19. Review status: criteria provided, single submitter. Criteria: ACMG Guidelines, 2015. Collection method: clinical testing. Allele origin: germline.

Fulgent Genetics
Classification: Uncertain significance for Spermatogenic failure 28; Premature ovarian failure 15. Last evaluated: 2024-04-02. Review status: criteria provided, single submitter. Criteria: ACMG Guidelines, 2015. Collection method: clinical testing. Allele origin: germline.

Labcorp Genetics (formerly Invitae), Labcorp
Classification: Uncertain significance for Fanconi anemia. Last evaluated: 2020-01-31. Review status: criteria provided, single submitter. Criteria: Invitae Variant Classification Sherloc (09022015). Collection method: clinical testing. Allele origin: germline.
Comment: Algorithms developed to predict the effect of sequence changes on RNA splicing suggest that this variant may create or strengthen a splice site, but this prediction has not been confirmed by published transcriptional studies. In summary, the available evidence is currently insufficient to determine the role of this variant in disease. Therefore, it has been classified as a Variant of Uncertain Significance. This sequence change replaces asparagine with serine at codon 88 of the FANCM protein (p.Asn88Ser). The asparagine residue is moderately conserved and there is a small physicochemical difference between asparagine and serine. This variant is not present in population databases (ExAC no frequency). This variant has not been reported in the literature in individuals with FANCM-related conditions. Algorithms developed to predict the effect of missense changes on protein structure and function are either unavailable or do not agree on the potential impact of this missense change (SIFT: "Deleterious"; PolyPhen-2: "Benign"; Align-GVGD: "Class C0").